The following is an entry in ClinVar:

ClinVar aggregate classification (germline): Uncertain significance (1 of 4 stars; one submission).

Conditions:
Spastic paraplegia. Identifiers: MedGen C0037772, HP:0001258.

Submission:

Labcorp Genetics (formerly Invitae), Labcorp
Classification: Uncertain significance for Spastic paraplegia. Last evaluated: 2025-08-17. Review status: criteria provided, single submitter. Criteria: Invitae Variant Classification Sherloc (09022015). Collection method: clinical testing. Allele origin: germline.
Comment: This sequence change replaces valine, which is neutral and non-polar, with leucine, which is neutral and non-polar, at codon 2710 of the SACS protein (p.Val2710Leu). This variant is not present in population databases (gnomAD no frequency). This variant has not been reported in the literature in individuals affected with SACS-related conditions. Invitae Evidence Modeling of protein sequence and biophysical properties (such as structural, functional, and spatial information, amino acid conservation, physicochemical variation, residue mobility, and thermodynamic stability) indicates that this missense variant is not expected to disrupt SACS protein function with a negative predictive value of 95%. In summary, the available evidence is currently insufficient to determine the role of this variant in disease. Therefore, it has been classified as a Variant of Uncertain Significance.

NM_014363.6(SACS):c.8128G>C (p.Val2710Leu)

Gene: SACS (sacsin molecular chaperone; minus strand). Cytogenetic location: 13q12.12.
Variant type: single nucleotide variant.
Coding change: c.8128G>C on transcript NM_014363.6 (MANE Select); coding-DNA position 8128, G replaced by C.
Protein change: p.Val2710Leu; replaces valine 2710 with leucine.
Molecular consequence: missense variant.
Genome position (GRCh38, 1-based): chr13:23,335,748, C>G on the plus strand (G>C on the coding strand, the complement: SACS is on the minus strand). VCF-style: chr13-23335748-C-G. GRCh37 (hg19) VCF-style: chr13-23909887-C-G.
Other names: c.7687G>C, p.Val2563Leu (NM_001278055.2); c.8155G>C, p.Val2719Leu (NM_001437336.1); short protein forms V2719L, V2710L, V2563L.
Identifiers: ClinVar variation 4775008 (VCV004775008.1).
Genomic context (GRCh38, chr13:23,335,748, plus strand): 5'-GTTTGTCCAAAAGATTCTGGACCATTCTGTCTGATGCTGGAACAGACGAAATTTCCGAAA[C>G]TTTTGCCATTTCTGCATTACGAAGAGGAAATCTGAACATTGTGCAATTATCCAGTTTAAA-3'
Protein context (NP_055178.3, residues 2700-2720): FPLRNAEMAK[Val2710Leu]SEISSVPASD